The following is an entry in ClinVar:

ClinVar aggregate classification (germline): Uncertain significance (1 of 4 stars; one submission).

Conditions:
Focal segmental glomerulosclerosis 5 (FSGS5). Identifiers: Orphanet 656, MedGen C2750475, MONDO:0013191, OMIM 613237.
Charcot-Marie-Tooth disease dominant intermediate E. Also called: CHARCOT-MARIE-TOOTH NEUROPATHY WITH FOCAL SEGMENTAL GLOMERULONEPHRITIS. Identifiers: Orphanet 93114, MedGen C4302667, MONDO:0013758, OMIM 614455.

Allele frequency attached by ClinVar (database versions not stated): ExAC 0.00001; gnomAD 0.00001; gnomAD exomes 0.00001.
gnomAD v4.1: 4 of 1,612,346 alleles (0.00025%); highest among the groups gnomAD compares: Non-Finnish European, 0.00034%; no homozygotes.

Submission:

Labcorp Genetics (formerly Invitae), Labcorp
Classification: Uncertain significance for Charcot-Marie-Tooth disease dominant intermediate E; Focal segmental glomerulosclerosis 5. Last evaluated: 2024-06-04. Review status: criteria provided, single submitter. Criteria: Invitae Variant Classification Sherloc (09022015). Collection method: clinical testing. Allele origin: germline.
Comment: This sequence change replaces isoleucine, which is neutral and non-polar, with phenylalanine, which is neutral and non-polar, at codon 831 of the INF2 protein (p.Ile831Phe). This variant is present in population databases (rs751004003, gnomAD 0.002%). This variant has not been reported in the literature in individuals affected with INF2-related conditions. ClinVar contains an entry for this variant (Variation ID: 1003408). Experimental studies and prediction algorithms are not available or were not evaluated, and the functional significance of this variant is currently unknown. In summary, the available evidence is currently insufficient to determine the role of this variant in disease. Therefore, it has been classified as a Variant of Uncertain Significance.

NM_022489.4(INF2):c.2491A>T (p.Ile831Phe)

Gene: INF2 (inverted formin 2; plus strand). Cytogenetic location: 14q32.33.
Variant type: single nucleotide variant.
Coding change: c.2491A>T on transcript NM_022489.4 (MANE Select); coding-DNA position 2491, A replaced by T.
Protein change: p.Ile831Phe; replaces isoleucine 831 with phenylalanine.
Molecular consequence: missense variant.
Genome position (GRCh38, 1-based): chr14:104,712,434, A>T. VCF-style: chr14-104712434-A-T. GRCh37 (hg19) VCF-style: chr14-105178771-A-T.
Other names: c.2491A>T, p.Ile831Phe (NM_001031714.4); short protein forms I831F.
Identifiers: ClinVar variation 1003408 (VCV001003408.8), dbSNP rs751004003, ClinGen allele CA7372964.
Genomic context (GRCh38, chr14:104,712,434, plus strand): 5'-GTCCCAGCGAGGCTGACGTCAGCCGTTGCTGTCTCTGCCCGGCCCTCCTCACCTTTCAGG[A>T]TCAACCTGGAGATCATCCGCTCAGAGGCCAGCTCCAACCTGAAGAAGCTTCTGGAGACCG-3'
Protein context (NP_071934.3, residues 821-841): DLEQPSQAAG[Ile831Phe]NLEIIRSEAS